The following is an entry in ClinVar:

ClinVar aggregate classification (germline): Conflicting classifications of pathogenicity. Review status: criteria provided, conflicting classifications (1 of 4 stars). 4 submissions from 4 submitters: Uncertain significance (1); Likely benign (2). 1 of the submissions does not count toward it. Last evaluated 2026-07-22.

Conditions:
Becker muscular dystrophy (BMD). Also called: Becker Muscular Dystrophy (BMD); MUSCULAR DYSTROPHY, PSEUDOHYPERTROPHIC PROGRESSIVE, BECKER TYPE. Identifiers: Orphanet 98895, MedGen C0917713, MONDO:0010311, OMIM 300376.
Duchenne muscular dystrophy (DMD). Also called: Duchenne Muscular Dystrophy (DMD); MUSCULAR DYSTROPHY, PSEUDOHYPERTROPHIC PROGRESSIVE, DUCHENNE TYPE. Identifiers: Orphanet 98896, MedGen C0013264, MONDO:0010679, OMIM 310200.
Dystrophin deficiency.
Cardiomyopathy (CMYO). Also called: Cardiomyopathies. Identifiers: Orphanet 167848, MedGen C0878544, MONDO:0004994, HP:0001638. Inheritance: Various modes of inheritance.
Cardiovascular phenotype. Identifiers: MedGen CN230736.

Allele frequency attached by ClinVar (database versions not stated): gnomAD below 0.00001 and 0.00002; gnomAD exomes 0.00001.
gnomAD v4.1: 9 of 1,205,661 alleles (0.00075%); highest among the groups gnomAD compares: South Asian, 0.016%; no homozygotes.

Submissions (4):

Ambry Genetics
Classification: Likely benign for Cardiovascular phenotype. Last evaluated: 2026-07-22. Review status: criteria provided, single submitter. Criteria: Ambry Variant Classification Scheme 2023. Collection method: clinical testing. Allele origin: germline.

Labcorp Genetics (formerly Invitae), Labcorp
Classification: Uncertain significance for Duchenne muscular dystrophy. Last evaluated: 2024-09-08. Review status: criteria provided, single submitter. Criteria: Invitae Variant Classification Sherloc (09022015). Collection method: clinical testing. Allele origin: germline.
Comment: This sequence change replaces valine, which is neutral and non-polar, with leucine, which is neutral and non-polar, at codon 1977 of the DMD protein (p.Val1977Leu). This variant is present in population databases (no rsID available, gnomAD no frequency). This variant has not been reported in the literature in individuals affected with DMD-related conditions. ClinVar contains an entry for this variant (Variation ID: 526073). Invitae Evidence Modeling of protein sequence and biophysical properties (such as structural, functional, and spatial information, amino acid conservation, physicochemical variation, residue mobility, and thermodynamic stability) indicates that this missense variant is not expected to disrupt DMD protein function with a negative predictive value of 95%. In summary, the available evidence is currently insufficient to determine the role of this variant in disease. Therefore, it has been classified as a Variant of Uncertain Significance.

Blueprint Genetics
Classification: Likely benign. Last evaluated: 2021-04-01. Review status: criteria provided, single submitter. Criteria: ACMG Guidelines, 2015. Collection method: clinical testing. Allele origin: germline.

Natera, Inc.
Classification: Uncertain significance for Becker muscular dystrophy; Cardiomyopathy; Duchenne muscular dystrophy; Dystrophin deficiency. Last evaluated: 2019-04-11. Review status: no assertion criteria provided. Collection method: clinical testing. Allele origin: germline. Not counted in ClinVar's aggregate classification.

NM_004006.3(DMD):c.5929G>C (p.Val1977Leu)

Gene: DMD (dystrophin; minus strand). Cytogenetic location: Xp21.1.
Variant type: single nucleotide variant.
Coding change: c.5929G>C on transcript NM_004006.3 (MANE Select); coding-DNA position 5929, G replaced by C.
Protein change: p.Val1977Leu; replaces valine 1977 with leucine.
Molecular consequence: missense variant.
Genome position (GRCh38, 1-based): chrX:32,310,270, C>G on the plus strand (G>C on the coding strand, the complement: DMD is on the minus strand). VCF-style: chrX-32310270-C-G. GRCh37 (hg19) VCF-style: chrX-32328387-C-G.
Other names: c.5905G>C, p.Val1969Leu (NM_000109.4); c.5917G>C, p.Val1973Leu (NM_004009.3); c.5560G>C, p.Val1854Leu (NM_004010.3); c.1906G>C, p.Val636Leu (NM_004011.4); c.1897G>C, p.Val633Leu (NM_004012.4); short protein forms V1977L, V1854L, V636L, V1973L, V633L, V1969L.
Identifiers: ClinVar variation 526073 (VCV000526073.8), dbSNP rs1314263909, ClinGen allele CA412670270.